The following is an entry in ClinVar:

ClinVar aggregate classification (germline): Uncertain significance (1 of 4 stars; one submission).

Conditions:
Neuronal ceroid lipofuscinosis 7 (CLN7). Also called: MFSD8-Related Neuronal Ceroid-Lipofuscinosis. Identifiers: Orphanet 168491, Orphanet 228366, MedGen C1838571, MONDO:0012588, OMIM 610951.

Allele frequency attached by ClinVar (database versions not stated): gnomAD 0.00001; TOPMed 0.00001.

Submission:

Labcorp Genetics (formerly Invitae), Labcorp
Classification: Uncertain significance for Neuronal ceroid lipofuscinosis 7. Last evaluated: 2022-04-16. Review status: criteria provided, single submitter. Criteria: Invitae Variant Classification Sherloc (09022015). Collection method: clinical testing. Allele origin: germline.
Comment: Algorithms developed to predict the effect of sequence changes on RNA splicing suggest that this variant may disrupt the consensus splice site. This sequence change falls in intron 6 of the MFSD8 gene. It does not directly change the encoded amino acid sequence of the MFSD8 protein. This variant is not present in population databases (gnomAD no frequency). This variant has not been reported in the literature in individuals affected with MFSD8-related conditions. In summary, the available evidence is currently insufficient to determine the role of this variant in disease. Therefore, it has been classified as a Variant of Uncertain Significance.

NM_001371596.2(MFSD8):c.554-17A>G

Gene: MFSD8 (major facilitator superfamily domain containing 8; minus strand). Cytogenetic location: 4q28.2.
Variant type: single nucleotide variant.
Coding change: c.554-17A>G on transcript NM_001371596.2 (MANE Select); 17 bases into the intron before coding-DNA position 554, A replaced by G.
Molecular consequence: intron variant.
Genome position (GRCh38, 1-based): chr4:127,940,014, T>C on the plus strand (A>G on the coding strand, the complement: MFSD8 is on the minus strand). VCF-style: chr4-127940014-T-C. GRCh37 (hg19) VCF-style: chr4-128861169-T-C.
Other names: c.419-1178A>G (NM_001371595.1); c.304+3738A>G (NM_001410765.1); c.419-17A>G (NM_001371590.2); c.554-17A>G (NM_152778.4, NM_001371591.2); c.439+3738A>G (NM_001363521.3); c.440-17A>G (NM_001410766.1, NM_001371593.2); c.553+2031A>G (NM_001363520.3); c.554-1178A>G (NM_001371594.2); and 1 more.
Identifiers: ClinVar variation 2043320 (VCV002043320.2), dbSNP rs1739873417, ClinGen allele CA1067856477.